The following is an entry in ClinVar:

NM_000486.6(AQP2):c.538G>A (p.Gly180Ser)

Genes: AQP2 (aquaporin 2; plus strand), AQP5-AS1 (AQP5 and AQP2 antisense RNA 2; minus strand). Cytogenetic location: 12q13.12.
Variant type: single nucleotide variant.
Coding change: c.538G>A on transcript NM_000486.6 (MANE Select); coding-DNA position 538, G replaced by A.
Protein change: p.Gly180Ser; replaces glycine 180 with serine.
Molecular consequence: missense variant.
Genome position (GRCh38, 1-based): chr12:49,954,642, G>A. VCF-style: chr12-49954642-G-A. GRCh37 (hg19) VCF-style: chr12-50348425-G-A.
Other names: short protein forms G180S.
Identifiers: ClinVar variation 3721147 (VCV003721147.3).

ClinVar aggregate classification (germline): Uncertain significance (1 of 4 stars; one submission).

Submission:

Labcorp Genetics (formerly Invitae), Labcorp
Classification: Uncertain significance. Last evaluated: 2024-07-16. Review status: criteria provided, single submitter. Criteria: Invitae Variant Classification Sherloc (09022015). Collection method: clinical testing. Allele origin: germline.
Comment: This sequence change replaces glycine, which is neutral and non-polar, with serine, which is neutral and polar, at codon 180 of the AQP2 protein (p.Gly180Ser). This variant is not present in population databases (gnomAD no frequency). This missense change has been observed in individual(s) with congenital nephrogenic diabetes insipidus (PMID: 16845277, 34839503). Advanced modeling of protein sequence and biophysical properties (such as structural, functional, and spatial information, amino acid conservation, physicochemical variation, residue mobility, and thermodynamic stability) performed at Invitae indicates that this missense variant is not expected to disrupt AQP2 protein function with a negative predictive value of 80%. In summary, the available evidence is currently insufficient to determine the role of this variant in disease. Therefore, it has been classified as a Variant of Uncertain Significance.

Literature cited by the submitters: PubMed 16845277; PubMed 34839503.